The following is an entry in ClinVar:

NM_001365999.1(SZT2):c.8031G>A (p.Ala2677=)

Gene: SZT2 (SZT2 subunit of KICSTOR complex; plus strand). Cytogenetic location: 1p34.2.
Variant type: single nucleotide variant.
Coding change: c.8031G>A on transcript NM_001365999.1 (MANE Select); coding-DNA position 8031, G replaced by A.
Protein change: p.Ala2677=; no amino-acid change (alanine 2677 retained).
Molecular consequence: synonymous variant.
Genome position (GRCh38, 1-based): chr1:43,442,498, G>A. VCF-style: chr1-43442498-G-A. GRCh37 (hg19) VCF-style: chr1-43908169-G-A.
Other names: c.7860G>A, p.Ala2620= (NM_015284.4).
Identifiers: ClinVar variation 416956 (VCV000416956.20), dbSNP rs138303356, ClinGen allele CA810434.
Genomic context (GRCh38, chr1:43,442,498, plus strand): 5'-CCAGCTACAGCTGCTGACCTACAACTGGGCTCCAGACCTGGGGGCAGCATTGGGCCGAGC[G>A]CTGGTTCGCCTGGTGCAGTGGCAGAATGCACGAGCCCATCTCATCTTCTGCCTACTCAGC-3'
Protein context (NP_001352928.1, residues 2667-2687): APDLGAALGR[Ala2677=]LVRLVQWQNA

ClinVar aggregate classification (germline): Likely benign. Review status: criteria provided, multiple submitters, no conflicts (2 of 4 stars). 7 submissions from 7 submitters: Likely benign (7). Last evaluated 2026-06-01.

Conditions:
Inborn genetic diseases. Identifiers: MedGen C0950123, MeSH D030342.
Developmental and epileptic encephalopathy, 18 (DEE18). Also called: Early infantile epileptic encephalopathy 18. Identifiers: Orphanet 369894, MedGen C3809624, MONDO:0014201, OMIM 615476.

Allele frequency attached by ClinVar (database versions not stated): ExAC 0.00015; gnomAD exomes 0.00016 and 0.00028; TOPMed 0.00016; gnomAD 0.00019; ESP Exome Variant Server 0.00008.
gnomAD v4.1: 437 of 1,614,050 alleles (0.027%); highest among the groups gnomAD compares: Non-Finnish European, 0.034%; no homozygotes.

Submissions (7):

CeGaT Center for Human Genetics Tuebingen
Classification: Likely benign. Last evaluated: 2026-06-01. Review status: criteria provided, single submitter. Criteria: CeGaT Center For Human Genetics Tuebingen Variant Classification Criteria Version 2. Collection method: clinical testing. Allele origin: germline. Affected: yes. Observed: 1 variant allele.
Comment: SZT2: BP4, BP7

Labcorp Genetics (formerly Invitae), Labcorp
Classification: Likely benign. Last evaluated: 2025-11-25. Review status: criteria provided, single submitter. Criteria: Invitae Variant Classification Sherloc (09022015). Collection method: clinical testing. Allele origin: germline.

Blueprint Genetics
Classification: Likely benign. Last evaluated: 2023-11-27. Review status: criteria provided, single submitter. Criteria: ACMG Guidelines, 2015. Collection method: clinical testing. Allele origin: germline.

ARUP Laboratories, Molecular Genetics and Genomics, ARUP Laboratories
Classification: Likely benign for Developmental and epileptic encephalopathy, 18. Last evaluated: 2023-09-11. Review status: criteria provided, single submitter. Criteria: ARUP Molecular Germline Variant Investigation Process 2024. Collection method: clinical testing. Allele origin: germline.

Genome-Nilou Lab
Classification: Likely benign for Developmental and epileptic encephalopathy, 18. Last evaluated: 2023-04-11. Review status: criteria provided, single submitter. Criteria: ACMG Guidelines, 2015. Collection method: clinical testing. Allele origin: germline. Affected: no.

GeneDx
Classification: Likely benign. Last evaluated: 2018-12-10. Review status: criteria provided, single submitter. Criteria: GeneDx Variant Classification Process June 2021. Collection method: clinical testing. Allele origin: germline. Affected: yes.

Ambry Genetics
Classification: Likely benign for Inborn genetic diseases. Last evaluated: 2018-06-29. Review status: criteria provided, single submitter. Criteria: Ambry Variant Classification Scheme 2023. Collection method: clinical testing. Allele origin: germline.